The following is an entry in ClinVar:

ClinVar aggregate classification (germline): Conflicting classifications of pathogenicity. Review status: criteria provided, conflicting classifications (1 of 4 stars). 7 submissions from 7 submitters: Likely pathogenic (2); Uncertain significance (5). Last evaluated 2024-09-24.

Conditions:
Autosomal recessive limb-girdle muscular dystrophy type 2K. Also called: MUSCULAR DYSTROPHY-DYSTROGLYCANOPATHY (LIMB-GIRDLE), TYPE C, 1; MUSCULAR DYSTROPHY, LIMB-GIRDLE, TYPE 2K. Identifiers: Orphanet 86812, MedGen C1836373, MONDO:0012248, OMIM 609308.
POMT1-related disorder. Also called: POMT1-related disorders; POMT1-related condition.
Muscular dystrophy-dystroglycanopathy (congenital with impaired intellectual development), type B, 1. Also called: Muscular dystrophy-dystroglycanopathy (congenital with intellectual disability), type B1; MUSCULAR DYSTROPHY, CONGENITAL, POMT1-RELATED. Identifiers: MedGen C5436962, MONDO:0013159, OMIM 613155.
Walker-Warburg congenital muscular dystrophy. Also called: Muscular dystrophy-dystroglycanopathy, type A; Walker-Warburg syndrome. Identifiers: Orphanet 899, MedGen C0265221, MONDO:0000171.
Muscular dystrophy-dystroglycanopathy (congenital with brain and eye anomalies), type A1 (MDDGA1). Also called: COD-MD SYNDROME; Muscular dystrophy-dystroglycanopathy (congenital with brain and eye anomalies), type A, 1; WALKER-WARBURG SYNDROME OR MUSCLE-EYE-BRAIN DISEASE, POMT1-RELATED; Hydrocephalus, agyria and retinal dysplasia; Hard +/- E syndrome; Warburg syndrome. Identifiers: Orphanet 588, Orphanet 899, MedGen C4284790, MONDO:0009364, OMIM 236670.

Allele frequency attached by ClinVar (database versions not stated): gnomAD 0.00001; ESP Exome Variant Server 0.00008; gnomAD exomes 0.00001 and 0.00003; TOPMed 0.00001; ExAC 0.00001.

Submissions (7):

HudsonAlpha Institute for Biotechnology
Classification: Likely pathogenic for Autosomal recessive limb-girdle muscular dystrophy type 2K. Last evaluated: 2024-09-24. Review status: criteria provided, single submitter. Criteria: ACMG Guidelines, 2015. Collection method: research. Allele origin: paternal. Observed: 1 compound heterozygote. Study: CSER-SouthSeq.
Comment: ACMG codes: PM2; PM3; PM4

GeneDx
Classification: Uncertain significance. Last evaluated: 2023-05-12. Review status: criteria provided, single submitter. Criteria: GeneDx Variant Classification Process June 2021. Collection method: clinical testing. Allele origin: germline. Affected: yes.
Comment: Observed with a pathogenic variant on the opposite allele (in trans) in a hospitalized infant in published literature, although clinical information was not provided (Bowling et al., 2022); In-frame deletion of 1 amino acid in a non-repeat region; Not observed at significant frequency in large population cohorts (gnomAD); In silico analysis supports a deleterious effect on protein structure/function; In-silico analysis is inconclusive as to whether the variant alters gene splicing. In the absence of RNA/functional studies, the actual effect of this sequence change is unknown; This variant is associated with the following publications: (PMID: 34930662)

Revvity Omics, Revvity
Classification: Uncertain significance. Last evaluated: 2023-02-27. Review status: criteria provided, single submitter. Criteria: ACMG Guidelines, 2015. Collection method: clinical testing. Allele origin: germline.

PreventionGenetics, part of Exact Sciences
Classification: Likely pathogenic for POMT1-related condition. Last evaluated: 2023-02-15. Review status: criteria provided, single submitter. Criteria: ACMG Guidelines, 2015. Collection method: clinical testing. Allele origin: germline.
Comment: The POMT1 c.697_699delAAT variant is predicted to result in an in-frame deletion (p.Asn233del). The c.697_699delAAT nucleotides also reside at the end of exon 8 in alternative biologically relevant POMT1 transcripts (eg. NM_001077365.2) and deletion of these nucleotides is predicted to result in defective splicing by several in silico programs (Alamut Visual Plus v1.6.1). This variant was reported in the compound heterozygous state in an individual with a POMT1-related disorder (Table S2 - Bowling et al 2022. PubMed ID: 34930662). This variant is reported in 0.00088% of alleles in individuals of European (Non-Finnish) descent in gnomAD. This variant is interpreted as likely pathogenic.

Athena Diagnostics
Classification: Uncertain significance. Last evaluated: 2022-09-27. Review status: criteria provided, single submitter. Criteria: Athena Diagnostics Criteria. Collection method: clinical testing. Allele origin: unknown.
Comment: Available data are insufficient to determine the clinical significance of the variant at this time. The frequency of this variant in the general population is uninformative in assessment of its pathogenicity. Computational tools disagree on the variant's effect on normal protein function.

Labcorp Genetics (formerly Invitae), Labcorp
Classification: Uncertain significance for Muscular dystrophy-dystroglycanopathy (congenital with impaired intellectual development), type B, 1; Walker-Warburg congenital muscular dystrophy; Autosomal recessive limb-girdle muscular dystrophy type 2K. Last evaluated: 2021-09-01. Review status: criteria provided, single submitter. Criteria: Invitae Variant Classification Sherloc (09022015). Collection method: clinical testing. Allele origin: germline.
Comment: This variant, c.697_699del, results in the deletion of 1 amino acid(s) of the POMT1 protein (p.Asn233del), but otherwise preserves the integrity of the reading frame. The frequency data for this variant in the population databases is considered unreliable, as metrics indicate poor data quality at this position in the ExAC database. This variant has not been reported in the literature in individuals affected with POMT1-related conditions. ClinVar contains an entry for this variant (Variation ID: 365275). Algorithms developed to predict the effect of sequence changes on RNA splicing suggest that this variant may create or strengthen a splice site. In summary, the available evidence is currently insufficient to determine the role of this variant in disease. Therefore, it has been classified as a Variant of Uncertain Significance.

Victorian Clinical Genetics Services, Murdoch Childrens Research Institute
Classification: Uncertain significance for Muscular dystrophy-dystroglycanopathy (congenital with brain and eye anomalies), type A1. Last evaluated: 2019-08-28. Review status: criteria provided, single submitter. Criteria: ACMG Guidelines, 2015. Collection method: clinical testing. Allele origin: germline. Inheritance: Autosomal recessive inheritance.
Comment: A heterozygous in-frame deletion variant was identified, NM_007171.3(POMT1):c.697_699del in exon 8 of 20 of the POMT1 gene. The variant is predicted to result in an in-frame deletion of a single amino acid at position 233 of the protein NP_009102.3(POMT1):p.(Asn233del). The asparagine at this position has low conservation (100 vertebrates, UCSC), but is located within the PMT functional domain. The variant is present in the gnomAD population database at a frequency of #% (0.0008% (2 heterozygotes; 0 homozygotes). The variant has been previously reported as a VUS (ClinVar). Based on information available at the time of curation, this variant has been classified as a VARIANT of UNCERTAIN SIGNIFICANCE (VUS) with LOW CLINICAL RELEVANCE.

Literature cited by the submitters: PubMed 34930662 (cited by Athena Diagnostics).

NM_001077365.2(POMT1):c.697_699del (p.Asn233del)

Gene: POMT1 (protein O-mannosyltransferase 1; plus strand). Cytogenetic location: 9q34.13.
Variant type: Deletion.
Coding change: c.697_699del on transcript NM_001077365.2 (MANE Select); coding-DNA positions 697 to 699, 3 bases deleted (AAT; older notation c.697_699delAAT).
Protein change: p.Asn233del; deletes asparagine 233.
Molecular consequence: inframe deletion. On other transcripts: non-coding transcript variant (10).
Genome position (GRCh38, 1-based): chr9:131,509,994-131,509,996, AAT deleted. VCF-style (leftmost placement, unchanged base first): chr9-131509993-CAAT-C. GRCh37 (hg19) VCF-style: chr9-134385380-CAAT-C.
Other names: c.697_699del (NM_007171.3); c.697_699delAAT (NM_007171.3); c.535_537del, p.Asn179del (NM_001077366.2, NM_001353194.2, NM_001353197.2 and 3 more transcripts); c.697_699del, p.Asn233del (NM_001136113.2, NM_001353193.2, NM_001374690.1 and 1 more transcripts); c.346_348del, p.Asn116del (NM_001136114.2, NM_001353195.2, NM_001353199.2 and 2 more transcripts); c.607_609del, p.Asn203del (NM_001353196.2); c.241_243del, p.Asn81del (NM_001353200.2, NM_001374695.1); short protein forms N233del, N203del, N179del, N116del, N81del.
Identifiers: ClinVar variation 365275 (VCV000365275.19), dbSNP rs761863400, ClinGen allele CA5293373.